The following is an entry in ClinVar:

ClinVar aggregate classification (germline): Pathogenic/Likely pathogenic. Review status: criteria provided, multiple submitters, no conflicts (2 of 4 stars). 3 submissions from 3 submitters: Pathogenic (1); Likely pathogenic (2). Last evaluated 2026-02-03.
ClinVar aggregate classification (oncogenicity): Uncertain significance (1 of 4 stars; one submission).

Conditions:
Neurofibromatosis, type 1 (NF1). Also called: VON RECKLINGHAUSEN DISEASE; NEUROFIBROMATOSIS, TYPE I, SOMATIC; Peripheral type neurofibromatosis; Neurofibromatosis, type I. Identifiers: Orphanet 636, MedGen C0027831, MONDO:0018975, OMIM 162200. Disease mechanism: loss of function.
Cardiovascular phenotype. Identifiers: MedGen CN230736.
Hereditary cancer-predisposing syndrome. Also called: Hereditary Cancer Syndrome; Hereditary neoplastic syndrome; Tumor predisposition; Neoplastic Syndromes, Hereditary. Identifiers: Orphanet 140162, MedGen C0027672, MeSH D009386, MONDO:0015356.
Neoplasm. Also called: tumor; Neoplasms; Neoplasm (disease). Identifiers: MedGen C0027651, MeSH D009369, MONDO:0005070, HP:0002664.

Submissions (4):

Labcorp Genetics (formerly Invitae), Labcorp
Classification: Pathogenic for Neurofibromatosis, type 1. Last evaluated: 2026-02-03. Review status: criteria provided, single submitter. Criteria: Invitae Variant Classification Sherloc (09022015). Collection method: clinical testing. Allele origin: germline.
Comment: This sequence change falls in intron 13 of the NF1 gene. It does not directly change the encoded amino acid sequence of the NF1 protein. It affects a nucleotide within the consensus splice site. This variant is not present in population databases (gnomAD no frequency). This variant has been observed in individual(s) with neurofibromatosis type 1 (internal data). In at least one individual the variant was observed to be de novo. Invitae Evidence Modeling of clinical and family history, age, sex, and reported ancestry of multiple individuals with this NF1 variant has been performed. This variant is expected to be pathogenic with a positive predictive value of at least 99%. This is a validated machine learning model that incorporates the clinical features of 1,785,918 individuals referred to our laboratory for NF1 testing. ClinVar contains an entry for this variant (Variation ID: 457537). Variants that disrupt the consensus splice site are a relatively common cause of aberrant splicing (PMID: 17576681, 9536098). Algorithms developed to predict the effect of sequence changes on RNA splicing suggest that this variant may disrupt the consensus splice site. This variant disrupts the c.1527+5G nucleotide in the NF1 gene. Other variant(s) that disrupt this nucleotide have been determined to be pathogenic (PMID: 17311297; internal data). This suggests that this nucleotide is clinically significant, and that variants that disrupt this position are likely to be disease-causing. For these reasons, this variant has been classified as Pathogenic.

Center for Genomic Medicine, Rigshospitalet, Copenhagen University Hospital
Classification: Uncertain significance for Neoplasm. Last evaluated: 2025-03-04. Review status: criteria provided, single submitter. Criteria: ClinGen/CGC/VICC Guidelines for Oncogenicity, 2022. Collection method: clinical testing. Allele origin: somatic. Affected: yes.

Ambry Genetics
Classification: Likely pathogenic for Cardiovascular phenotype; Hereditary cancer-predisposing syndrome. Last evaluated: 2023-08-03. Review status: criteria provided, single submitter. Criteria: Ambry Variant Classification Scheme 2023. Collection method: clinical testing. Allele origin: germline.
Comment: The c.1527+5G>C intronic variant results from a G to C substitution 5 nucleotides after coding exon 13 in the NF1 gene. This variant has been detected in individuals with features consistent with neurofibromatosis type 1 (NF1) (external communication; Ambry internal data). In addition, RNA studies have demonstrated that this alteration results in abnormal splicing (external communication). Another alteration impacting the same donor site (c.1527+5G>A) has been reported in association with NF1 (Melloni G et al. Cancers (Basel). 2019 Nov;11(12)). This variant is considered to be rare based on population cohorts in the Genome Aggregation Database (gnomAD). This nucleotide position is highly conserved in available vertebrate species. In silico splice site analysis predicts that this alteration will weaken the native splice donor site. Based on the majority of available evidence to date, this variant is likely to be pathogenic.

Human Genetics Bochum, Ruhr University Bochum
Classification: Likely pathogenic for Neurofibromatosis, type 1. Last evaluated: 2022-08-01. Review status: criteria provided, single submitter. Criteria: ACMG Guidelines, 2015. Collection method: clinical testing. Allele origin: germline. Affected: yes.
Comment: ACMG criteria used to clasify this variant: PM1, PM2, PP3, PP1, PS4

Literature cited by the submitters: PubMed 17576681 (cited by Labcorp Genetics (formerly Invitae), Labcorp); PubMed 9536098 (cited by Labcorp Genetics (formerly Invitae), Labcorp); PubMed 17311297 (cited by Labcorp Genetics (formerly Invitae), Labcorp); PubMed 11258625 (cited by Center for Genomic Medicine, Rigshospitalet, Copenhagen University Hospital); PubMed 10712197 (cited by Center for Genomic Medicine, Rigshospitalet, Copenhagen University Hospital); PubMed 25074460 (cited by Center for Genomic Medicine, Rigshospitalet, Copenhagen University Hospital); PubMed 10451518 (cited by Center for Genomic Medicine, Rigshospitalet, Copenhagen University Hospital); PubMed 18546366 (cited by Center for Genomic Medicine, Rigshospitalet, Copenhagen University Hospital); PubMed 31868168 (cited by Center for Genomic Medicine, Rigshospitalet, Copenhagen University Hospital).

NM_001042492.3(NF1):c.1527+5G>C

Gene: NF1 (neurofibromin 1; plus strand). Cytogenetic location: 17q11.2.
Variant type: single nucleotide variant.
Coding change: c.1527+5G>C on transcript NM_001042492.3 (MANE Select); 5 bases into the intron after coding-DNA position 1527, G replaced by C.
Molecular consequence: intron variant.
Genome position (GRCh38, 1-based): chr17:31,214,590, G>C. VCF-style: chr17-31214590-G-C. GRCh37 (hg19) VCF-style: chr17-29541608-G-C.
Other names: c.1527+5G>C (NM_000267.4, NM_001128147.3).
Identifiers: ClinVar variation 457537 (VCV000457537.9), dbSNP rs1060500352, ClinGen allele CA658656589.